The following is an entry in ClinVar:

NM_001371623.1(TCOF1):c.1197dup (p.Lys400fs)

Gene: TCOF1 (treacle ribosome biogenesis factor 1; plus strand). Cytogenetic location: 5q32.
Variant type: Duplication.
Coding change: c.1197dup on transcript NM_001371623.1 (MANE Select); coding-DNA position 1197, one base duplicated (C; older notation c.1197dupC).
Protein change: p.Lys400fs; shifts the reading frame from lysine 400.
Molecular consequence: frameshift variant.
Genome position (GRCh38, 1-based): chr5:150,374,730, C duplicated; the last of 2 consecutive C bases (chr5:150,374,729-150,374,730); duplicating either gives the same sequence. VCF-style (leftmost placement, unchanged base first): chr5-150374728-G-GC. GRCh37 (hg19) VCF-style: chr5-149754291-G-GC.
Other names: c.966dup, p.Lys323fs (NM_000356.4, NM_001135245.2, NM_001437406.1); c.1197dup, p.Lys400fs (NM_001008657.3, NM_001135243.2, NM_001135244.2 and 1 more transcripts); short protein forms K323fs, K400fs.
Identifiers: ClinVar variation 5000852 (VCV005000852.1).

ClinVar aggregate classification (germline): Likely pathogenic (1 of 4 stars; one submission).

Conditions:
TCOF1-related disorder. Also called: TCOF1-related condition.

Submission:

PreventionGenetics, part of Exact Sciences
Classification: Likely pathogenic for TCOF1-related condition. Last evaluated: 2025-07-02. Review status: criteria provided, single submitter. Criteria: ACMG Guidelines, 2015. Collection method: clinical testing. Allele origin: germline.
Comment: The TCOF1 c.1197dupC variant is predicted to result in a frameshift and premature protein termination (p.Lys400Glnfs*21). To our knowledge, this variant has not been reported in the literature or in a large population database, indicating this variant is rare. Frameshift variants in TCOF1 are expected to be pathogenic. This variant is interpreted as likely pathogenic.